The following is an entry in ClinVar:

NM_018896.5(CACNA1G):c.3353G>C (p.Ser1118Thr)

Gene: CACNA1G (calcium voltage-gated channel subunit alpha1 G; plus strand). Cytogenetic location: 17q21.33.
Variant type: single nucleotide variant.
Coding change: c.3353G>C on transcript NM_018896.5 (MANE Select); coding-DNA position 3353, G replaced by C.
Protein change: p.Ser1118Thr; replaces serine 1118 with threonine.
Molecular consequence: missense variant. On other transcripts: non-coding transcript variant (5).
Genome position (GRCh38, 1-based): chr17:50,599,522, G>C. VCF-style: chr17-50599522-G-C. GRCh37 (hg19) VCF-style: chr17-48676883-G-C.
Other names: c.3353G>C, p.Ser1118Thr (NM_001256324.2, NM_001256325.2, NM_001256326.2 and 16 more transcripts); c.3284G>C, p.Ser1095Thr (NM_001256332.2, NM_198376.3, NM_198379.3 and 5 more transcripts); short protein forms S1095T, S1118T.
Identifiers: ClinVar variation 2575741 (VCV002575741.1), dbSNP rs2545422187, ClinGen allele CA400253015.

ClinVar aggregate classification (germline): Uncertain significance (1 of 4 stars; one submission).

Allele frequency attached by ClinVar (database versions not stated): gnomAD exomes below 0.00001.
gnomAD v4.1: 1 of 1,611,218 alleles (0.000062%); highest among the groups gnomAD compares: Admixed American, 0.0017%; no homozygotes.

Submission:

GeneDx
Classification: Uncertain significance. Last evaluated: 2023-02-12. Review status: criteria provided, single submitter. Criteria: GeneDx Variant Classification Process June 2021. Collection method: clinical testing. Allele origin: germline. Affected: yes.
Comment: Not observed at significant frequency in large population cohorts (gnomAD); In silico analysis supports that this missense variant has a deleterious effect on protein structure/function; Has not been previously published as pathogenic or benign to our knowledge